The following is an entry in ClinVar:

NC_000019.10:g.(?_40403696)_(40403872_?)del

Gene: PRX (periaxin; minus strand). Cytogenetic location: 19q13.2.
Variant type: Deletion.
Identifiers: ClinVar variation 830805 (VCV000830805.6).

ClinVar aggregate classification (germline): Pathogenic (1 of 4 stars; one submission).

Conditions:
Charcot-Marie-Tooth disease type 4. Also called: Charcot-Marie-Tooth disease, type IV; Charcot-Marie-Tooth, Type 4. Identifiers: Orphanet 64749, MedGen C4082197, MONDO:0018995.

Submission:

Labcorp Genetics (formerly Invitae), Labcorp
Classification: Pathogenic for Charcot-Marie-Tooth disease type 4. Last evaluated: 2021-08-04. Review status: criteria provided, single submitter. Criteria: Invitae Variant Classification Sherloc (09022015). Collection method: clinical testing. Allele origin: germline.
Comment: This variant is a gross deletion of the genomic region encompassing exon(s) 5 of the PRX gene. This deletion is out-of-frame, and is expected to create a premature translational stop signal and result in an absent or disrupted protein product. Loss-of-function variants in PRX are known to be pathogenic (PMID: 11133365). A similar copy number variant has been observed in individual(s) with Charcot-Marie-Tooth disease (PMID: 28902413). In at least one individual the data is consistent with the variant being in trans (on the opposite chromosome) from a pathogenic variant. For these reasons, this variant has been classified as Pathogenic.

Literature cited by the submitters: PubMed 11133365; PubMed 28902413.